The following is an entry in ClinVar:

NM_144736.5(NDUFAF7):c.813T>G (p.His271Gln)

Gene: NDUFAF7 (NADH:ubiquinone oxidoreductase complex assembly factor 7; plus strand). Cytogenetic location: 2p22.2.
Variant type: single nucleotide variant.
Coding change: c.813T>G on transcript NM_144736.5 (MANE Select); coding-DNA position 813, T replaced by G.
Protein change: p.His271Gln; replaces histidine 271 with glutamine.
Molecular consequence: missense variant. On other transcripts: non-coding transcript variant (10).
Genome position (GRCh38, 1-based): chr2:37,246,072, T>G. VCF-style: chr2-37246072-T-G. GRCh37 (hg19) VCF-style: chr2-37473215-T-G.
Other names: c.519T>G, p.His173Gln (NM_001083946.2); c.813T>G, p.His271Gln (NM_001350024.2); c.732T>G, p.His244Gln (NM_001350025.2); c.600T>G, p.His200Gln (NM_001350027.2); short protein forms H173Q, H271Q, H244Q, H200Q.
Identifiers: ClinVar variation 214759 (VCV000214759.6), dbSNP rs863224094, ClinGen allele CA320189.

ClinVar aggregate classification (germline): Uncertain significance. Review status: criteria provided, multiple submitters, no conflicts (2 of 4 stars). 3 submissions from 3 submitters: Uncertain significance (3). Last evaluated 2025-08-24.

Allele frequency attached by ClinVar (database versions not stated): TOPMed below 0.00001; gnomAD 0.00001; gnomAD exomes 0.00001.
gnomAD v4.1: 8 of 1,613,800 alleles (0.0005%); highest among the groups gnomAD compares: Non-Finnish European, 0.00068%; no homozygotes.

Submissions (3):

Ambry Genetics
Classification: Uncertain significance. Last evaluated: 2025-08-24. Review status: criteria provided, single submitter. Criteria: Ambry Variant Classification Scheme 2023. Collection method: clinical testing. Allele origin: germline.

Labcorp Genetics (formerly Invitae), Labcorp
Classification: Uncertain significance. Last evaluated: 2024-01-10. Review status: criteria provided, single submitter. Criteria: Invitae Variant Classification Sherloc (09022015). Collection method: clinical testing. Allele origin: germline.
Comment: This sequence change replaces histidine, which is basic and polar, with glutamine, which is neutral and polar, at codon 173 of the NDUFAF7 protein (p.His173Gln). This variant is not present in population databases (gnomAD no frequency). This variant has not been reported in the literature in individuals affected with NDUFAF7-related conditions. ClinVar contains an entry for this variant (Variation ID: 214759). An algorithm developed to predict the effect of missense changes on protein structure and function (PolyPhen-2) suggests that this variant is likely to be tolerated. In summary, the available evidence is currently insufficient to determine the role of this variant in disease. Therefore, it has been classified as a Variant of Uncertain Significance.

GeneDx
Classification: Uncertain significance. Last evaluated: 2014-10-07. Review status: criteria provided, single submitter. Criteria: GeneDx Variant Classification (06012015). Collection method: clinical testing. Allele origin: germline. Affected: yes.
Comment: The H173Q variant has not been published as a mutation, nor has it been reported as a benign polymorphism to our knowledge. The H173Q variant is a semi-conservative amino acid substitution, which may impact secondary protein structure as these residues differ in some properties. This substitution occurs at a position that is conserved across species. In silico analysis predicts this variant likely does not alter the protein structure/function. Therefore, based on the currently available information, it is unclear whether this variant is a pathogenic mutation or a rare benign variant. The variant is found in MITONUC-MITOP panel(s).